The following is an entry in ClinVar:

ClinVar aggregate classification (germline): Conflicting classifications of pathogenicity. Review status: criteria provided, conflicting classifications (1 of 4 stars). 9 submissions from 8 submitters: Uncertain significance (6); Likely benign (2). 1 of the submissions does not count toward it. Last evaluated 2026-08-19.

Conditions:
SLC26A4-related disorder. Also called: SLC26A4-related condition; SLC26A4-related disorders.
Inborn genetic diseases. Identifiers: MedGen C0950123, MeSH D030342.
Pendred syndrome (PDS). Also called: Pendred's syndrome; Pendred Syndrome (PDS); HYPOTHYROIDISM, CONGENITAL, DUE TO DYSHORMONOGENESIS, 2B; DEAFNESS WITH GOITER; GOITER-DEAFNESS SYNDROME; THYROID DYSHORMONOGENESIS 2B. Identifiers: Orphanet 705, MedGen C0271829, MONDO:0010134, OMIM 274600.
Autosomal recessive nonsyndromic hearing loss 4 (DFNB4). Also called: Nonsyndromic enlarged vestibular aqueduct (NSEVA); Deafness, autosomal recessive 4, with enlarged vestibular aqueduct; Deafness, autosomal recessive 4; Enlarged vestibular aqueduct, digenic; FOXI1-Related Pendred Syndrome; KCNJ10-Related Pendred Syndrome. Identifiers: Orphanet 90636, MedGen C3538946, MONDO:0010933, OMIM 600791.

Allele frequency attached by ClinVar (database versions not stated): gnomAD exomes 0.00008 and 0.00020; ExAC 0.00024; 1000 Genomes Project 30x 0.00062; gnomAD 0.00070 and 0.00074; 1000 Genomes Project 0.00080; TOPMed 0.00084; ESP Exome Variant Server 0.00100.
gnomAD v4.1: 223 of 1,510,204 alleles (0.015%); highest among the groups gnomAD compares: African/African-American, 0.24%; no homozygotes.

Submissions (9):

PreventionGenetics, part of Exact Sciences
Classification: Likely benign for SLC26A4-related condition. Last evaluated: 2026-08-19. Review status: criteria provided, single submitter. Criteria: ACMG Guidelines, 2015. Collection method: clinical testing. Allele origin: germline.
Comment: This variant is classified as likely benign based on ACMG/AMP sequence variant interpretation guidelines (Richards et al. 2015 PMID: 25741868, with internal and published modifications).

Labcorp Genetics (formerly Invitae), Labcorp
Classification: Likely benign. Last evaluated: 2026-01-28. Review status: criteria provided, single submitter. Criteria: Invitae Variant Classification Sherloc (09022015). Collection method: clinical testing. Allele origin: germline.

GeneDx
Classification: Uncertain significance. Last evaluated: 2025-08-15. Review status: criteria provided, single submitter. Criteria: GeneDx Variant Classification Process June 2021. Collection method: clinical testing. Allele origin: germline. Affected: yes.
Comment: In silico analysis supports that this missense variant has a deleterious effect on protein structure/function; Has not been previously published as pathogenic or benign to our knowledge; This variant is associated with the following publications: (PMID: 26934580)

Ambry Genetics
Classification: Uncertain significance for Inborn genetic diseases. Last evaluated: 2022-03-11. Review status: criteria provided, single submitter. Criteria: Ambry Variant Classification Scheme 2023. Collection method: clinical testing. Allele origin: germline.

Genome-Nilou Lab
Classification: Uncertain significance for Autosomal recessive nonsyndromic hearing loss 4. Last evaluated: 2021-09-05. Review status: criteria provided, single submitter. Criteria: ACMG Guidelines, 2015. Collection method: clinical testing. Allele origin: germline. Affected: no.

Genome-Nilou Lab
Classification: Uncertain significance for Pendred syndrome. Last evaluated: 2021-09-05. Review status: criteria provided, single submitter. Criteria: ACMG Guidelines, 2015. Collection method: clinical testing. Allele origin: germline. Affected: no.

Athena Diagnostics
Classification: Uncertain significance. Last evaluated: 2018-09-17. Review status: criteria provided, single submitter. Criteria: Athena Diagnostics Criteria. Collection method: clinical testing. Allele origin: germline.

Laboratory for Molecular Medicine, Mass General Brigham Personalized Medicine
Classification: Uncertain significance. Last evaluated: 2016-08-04. Review status: criteria provided, single submitter. Criteria: LMM Criteria. Collection method: clinical testing. Allele origin: germline. Observed: 2 variant alleles.
Comment: The p.Ile539Thr variant in SLC26A4 has not been previously reported in individua ls with hearing loss, hearing loss with EVA, or Pendred syndrome. However, this variant was identified in 0.3% (27/10310) of African chromosomes by the Exome Ag gregation Consortium (ExAC; dbSNP rs146269871). This variant is located in the second base of the exon. The 3' splice site of th is exon resembles the minor class of the splice consensus sequence, of which the second base of the exon is included. Computational prediction tools and conserv ation analyses do not provide strong support for or against an impact to splicin g or to the protein. In summary, the clinical significance of the p.Ile539Thr va riant is uncertain.

Natera, Inc.
Classification: Uncertain significance for Pendred syndrome. Last evaluated: 2019-11-11. Review status: no assertion criteria provided. Collection method: clinical testing. Allele origin: germline. Not counted in ClinVar's aggregate classification.

NM_000441.2(SLC26A4):c.1616T>C (p.Ile539Thr)

Gene: SLC26A4 (solute carrier family 26 member 4; plus strand). Cytogenetic location: 7q22.3.
Variant type: single nucleotide variant.
Coding change: c.1616T>C on transcript NM_000441.2 (MANE Select); coding-DNA position 1616, T replaced by C.
Protein change: p.Ile539Thr; replaces isoleucine 539 with threonine.
Molecular consequence: missense variant.
Genome position (GRCh38, 1-based): chr7:107,700,084, T>C. VCF-style: chr7-107700084-T-C. GRCh37 (hg19) VCF-style: chr7-107340529-T-C.
Other names: short protein forms I539T.
Identifiers: ClinVar variation 229253 (VCV000229253.26), dbSNP rs146269871, ClinGen allele CA4432898.